The following is an entry in ClinVar:

ClinVar aggregate classification (germline): Uncertain significance (1 of 4 stars; one submission).

Conditions:
Hereditary cancer-predisposing syndrome. Also called: Neoplastic Syndromes, Hereditary; Tumor predisposition; Hereditary Cancer Syndrome; Hereditary neoplastic syndrome. Identifiers: Orphanet 140162, MedGen C0027672, MeSH D009386, MONDO:0015356.

Submission:

Ambry Genetics
Classification: Uncertain significance for Hereditary cancer-predisposing syndrome. Last evaluated: 2026-06-11. Review status: criteria provided, single submitter. Criteria: Ambry Variant Classification Scheme 2023. Collection method: clinical testing. Allele origin: germline.
Comment: The p.R855P variant (also known as c.2564G>C), located in coding exon 19 of the POLD1 gene, results from a G to C substitution at nucleotide position 2564. The arginine at codon 855 is replaced by proline, an amino acid with dissimilar properties. However, this change occurs in the last base pair of coding exon 19, which makes it likely to have some effect on normal mRNA splicing. This nucleotide position is highly conserved in available vertebrate species. This amino acid position is highly conserved in available vertebrate species. In silico splice site analysis predicts that this alteration may result in the creation or strengthening of a novel splice donor site. In addition, as a missense substitution this is predicted to be inconclusive by in silico analysis. However, loss of function has not been established as a mechanism of disease. Based on the available evidence, the clinical significance of this variant remains unclear.

NM_002691.4(POLD1):c.2564G>C (p.Arg855Pro)

Gene: POLD1 (DNA polymerase delta 1, catalytic subunit; plus strand). Cytogenetic location: 19q13.33.
Variant type: single nucleotide variant.
Coding change: c.2564G>C on transcript NM_002691.4 (MANE Select); coding-DNA position 2564, G replaced by C.
Protein change: p.Arg855Pro; replaces arginine 855 with proline.
Molecular consequence: missense variant. On other transcripts: non-coding transcript variant (1).
Genome position (GRCh38, 1-based): chr19:50,414,990, G>C. VCF-style: chr19-50414990-G-C. GRCh37 (hg19) VCF-style: chr19-50918247-G-C.
Other names: c.2564G>C, p.Arg855Pro (NM_001256849.1, NM_001438212.1, NM_001438213.1); c.2642G>C, p.Arg881Pro (NM_001308632.1); c.2492G>C, p.Arg831Pro (NM_001438210.1, NM_001438211.1); short protein forms R831P, R855P, R881P.
Identifiers: ClinVar variation 4862157 (VCV004862157.1).
Genomic context (GRCh38, chr19:50,414,990, plus strand): 5'-ACAACTGCCCCCTCGTGGCCAACCTGGTCACTGCCTCACTGCGCCGCCTGCTCATCGACC[G>C]GTGTGTGGGGCCTCCTCCCTCAGACTCAGGGGGCTGGGCCCCAAACCCCTCCTCCCTCAG-3'
Protein context (NP_002682.2, residues 845-865): TASLRRLLID[Arg855Pro]DPEGAVAHAQ